The following is an entry in ClinVar:

NM_001122955.4(BSCL2):c.829T>C (p.Tyr277His)

Genes: BSCL2 (BSCL2 lipid droplet biogenesis associated, seipin; minus strand), HNRNPUL2-BSCL2 (HNRNPUL2-BSCL2 readthrough (NMD candidate); minus strand). Cytogenetic location: 11q12.3.
Variant type: single nucleotide variant.
Coding change: c.829T>C on transcript NM_001122955.4 (MANE Select); coding-DNA position 829, T replaced by C.
Protein change: p.Tyr277His; replaces tyrosine 277 with histidine.
Molecular consequence: missense variant. On other transcripts: non-coding transcript variant (1).
Genome position (GRCh38, 1-based): chr11:62,692,410, A>G on the plus strand (T>C on the coding strand, the complement: BSCL2 is on the minus strand). VCF-style: chr11-62692410-A-G. GRCh37 (hg19) VCF-style: chr11-62459882-A-G.
Other names: c.637T>C, p.Tyr213His (NM_001130702.2, NM_032667.6); c.829T>C, p.Tyr277His (NM_001386027.1, NM_001386028.1); short protein forms Y213H, Y277H.
Identifiers: ClinVar variation 2633479 (VCV002633479.8), dbSNP rs1163758338, ClinGen allele CA6053442.

ClinVar aggregate classification (germline): Uncertain significance. Review status: criteria provided, multiple submitters, no conflicts (2 of 4 stars). 6 submissions from 6 submitters: Uncertain significance (6). Last evaluated 2025-11-25.

Conditions:
Severe neurodegenerative syndrome with lipodystrophy. Also called: ENCEPHALOPATHY, PROGRESSIVE, WITH LIPODYSTROPHY; Encephalopathy, progressive, with or without lipodystrophy. Identifiers: Orphanet 363400, MedGen C4014700, MONDO:0014402, OMIM 615924.
Congenital generalized lipodystrophy type 2 (CGL2). Also called: BERARDINELLI SYNDROME; BRUNZELL SYNDROME, BSCL2-RELATED; SEIP SYNDROME; Berardinelli-Seip Congenital Lipodystrophy Type 2. Identifiers: Orphanet 528, Orphanet 696289, MedGen C1720863, MONDO:0010020, OMIM 269700.
Neuronopathy, distal hereditary motor, type 5C. Also called: DHMN VC; NEURONOPATHY, DISTAL HEREDITARY MOTOR, AUTOSOMAL DOMINANT 13; NEURONOPATHY, DISTAL HEREDITARY MOTOR, HARDING TYPE VC; NEUROPATHY, DISTAL HEREDITARY MOTOR, HARDING TYPE VC; SPINAL MUSCULAR ATROPHY, DISTAL, HARDING TYPE VC. Identifiers: MedGen C5436838, MONDO:0030860, OMIM 619112.
Hereditary spastic paraplegia 17. Also called: SPASTIC PARAPLEGIA WITH AMYOTROPHY OF HANDS AND FEET; Silver spastic paraplegia syndrome; Spastic Paraplegia 17; Autosomal dominant spastic paraplegia type 17; Silver Syndrome. Identifiers: Orphanet 100998, MedGen C2931276, MONDO:0010043, OMIM 270685.
Inborn genetic diseases. Identifiers: MedGen C0950123, MeSH D030342.
BSCL2-related disorder. Also called: BSCL2-related condition; BSCL2-Related Disorders.
Charcot-Marie-Tooth disease type 2. Also called: Charcot-Marie-Tooth type 2. Identifiers: Orphanet 64746, MedGen C0270914, MONDO:0018993.

Allele frequency attached by ClinVar (database versions not stated): TOPMed below 0.00001; ExAC 0.00007; gnomAD exomes 0.00001; gnomAD 0.00001.
gnomAD v4.1: 17 of 1,614,020 alleles (0.0011%); highest among the groups gnomAD compares: Non-Finnish European, 0.0014%; no homozygotes.

Submissions (6):

Labcorp Genetics (formerly Invitae), Labcorp
Classification: Uncertain significance for Charcot-Marie-Tooth disease type 2. Last evaluated: 2025-11-25. Review status: criteria provided, single submitter. Criteria: Invitae Variant Classification Sherloc (09022015). Collection method: clinical testing. Allele origin: germline.
Comment: This sequence change replaces tyrosine, which is neutral and polar, with histidine, which is basic and polar, at codon 213 of the BSCL2 protein (p.Tyr213His). This variant is present in population databases (no rsID available, gnomAD 0.007%). This variant has not been reported in the literature in individuals affected with BSCL2-related conditions. ClinVar contains an entry for this variant (Variation ID: 2633479). Invitae Evidence Modeling of protein sequence and biophysical properties (such as structural, functional, and spatial information, amino acid conservation, physicochemical variation, residue mobility, and thermodynamic stability) indicates that this missense variant is not expected to disrupt BSCL2 protein function with a negative predictive value of 80%. In summary, the available evidence is currently insufficient to determine the role of this variant in disease. Therefore, it has been classified as a Variant of Uncertain Significance.

Ambry Genetics
Classification: Uncertain significance for Inborn genetic diseases. Last evaluated: 2025-05-15. Review status: criteria provided, single submitter. Criteria: Ambry Variant Classification Scheme 2023. Collection method: clinical testing. Allele origin: germline.

Women's Health and Genetics/Laboratory Corporation of America, LabCorp
Classification: Uncertain significance. Last evaluated: 2025-02-25. Review status: criteria provided, single submitter. Criteria: LabCorp Variant Classification Summary - May 2015. Collection method: clinical testing. Allele origin: germline.
Comment: Variant summary: BSCL2 c.637T>C (p.Tyr213His) results in a conservative amino acid change in the encoded protein sequence. Five of five in-silico tools predict a benign effect of the variant on protein function. The variant allele was found at a frequency of 3.2e-05 in 251342 control chromosomes, predominantly at a frequency of 7e-05 within the Non-Finnish European subpopulation in the gnomAD database. The available data on variant occurrences in the general population are insufficient to allow any conclusion about variant significance. To our knowledge, no occurrence of c.637T>C in individuals affected with Congenital generalized lipodystrophy type 2 and no experimental evidence demonstrating its impact on protein function have been reported. ClinVar contains an entry for this variant (Variation ID: 2633479). Based on the evidence outlined above, the variant was classified as uncertain significance.

Fulgent Genetics
Classification: Uncertain significance for Congenital generalized lipodystrophy type 2; Hereditary spastic paraplegia 17; Severe neurodegenerative syndrome with lipodystrophy; Neuronopathy, distal hereditary motor, type 5C. Last evaluated: 2024-02-25. Review status: criteria provided, single submitter. Criteria: ACMG Guidelines, 2015. Collection method: clinical testing. Allele origin: germline.

GeneDx
Classification: Uncertain significance. Last evaluated: 2023-11-06. Review status: criteria provided, single submitter. Criteria: GeneDx Variant Classification Process June 2021. Collection method: clinical testing. Allele origin: germline. Affected: yes.
Comment: In silico analysis supports that this missense variant does not alter protein structure/function; Has not been previously published as pathogenic or benign to our knowledge

PreventionGenetics, part of Exact Sciences
Classification: Uncertain significance for BSCL2-related condition. Last evaluated: 2023-04-06. Review status: criteria provided, single submitter. Criteria: ACMG Guidelines, 2015. Collection method: clinical testing. Allele origin: germline.
Comment: The BSCL2 c.829T>C variant is predicted to result in the amino acid substitution p.Tyr277His. To our knowledge, this variant has not been reported in the literature. This variant is reported in 0.0070% of alleles in individuals of European (Non-Finnish) descent in gnomAD. At this time, the clinical significance of this variant is uncertain due to the absence of conclusive functional and genetic evidence.